The following is an entry in ClinVar:

NM_000384.3(APOB):c.9523del (p.Ala3175fs)

Gene: APOB (apolipoprotein B; minus strand). Cytogenetic location: 2p24.1.
Variant type: Deletion.
Coding change: c.9523del on transcript NM_000384.3 (MANE Select); coding-DNA position 9523, one base deleted (G; older notation c.9523delG).
Protein change: p.Ala3175fs; shifts the reading frame from alanine 3175.
Molecular consequence: frameshift variant.
Genome position (GRCh38, 1-based): chr2:21,007,345, C deleted on the plus strand (G on the coding strand, the reverse complement: APOB is on the minus strand). VCF-style (leftmost placement, unchanged base first): chr2-21007344-GC-G. GRCh37 (hg19) VCF-style: chr2-21230216-GC-G.
Other names: short protein forms A3175fs.
Identifiers: ClinVar variation 237754 (VCV000237754.10), dbSNP rs878853973, ClinGen allele CA10581913.
Genomic context (GRCh38, chr2:21,007,344, plus strand): 5'-TCACAAAGCACAGCCAAAGGATTTGTGATGGAATGCCTGTGTTTGTTTTTCTTATACTGA[GC>G]TTTTACACTTAAATCAAATGATTGCTTTGTCGTTTTCAAGAATTCCTTCAAGCCTGTTTT-3'

ClinVar aggregate classification (germline): Pathogenic. Review status: criteria provided, single submitter (1 of 4 stars). 2 submissions from 1 submitter: Pathogenic (2). Last evaluated 2016-06-18.

Conditions:
Familial hypobetalipoproteinemia 1. Also called: Hypobetalipoproteinemia, normotriglyceridemic; Acanthocytosis with hypobetalipoproteinemia; APOB-Related Familial Hypobetalipoproteinemia. Identifiers: MedGen C4551990, MONDO:0014252, OMIM 615558.
Hypercholesterolemia, autosomal dominant, type B (FHCL2). Also called: Familial Hypercholesterolemia Type B; APOB-Related Familial Hypercholesterolemia, Autosomal Dominant; Hyperlipoproteinemia Type IIb; Familial hypercholesterolemia 2; APOLIPOPROTEIN B-100, FAMILIAL DEFECTIVE; APOLIPOPROTEIN B-100, FAMILIAL LIGAND-DEFECTIVE. Identifiers: MedGen C1704417, MONDO:0007751, OMIM 144010.

Submissions (2):

Labcorp Genetics (formerly Invitae), Labcorp
Classification: Pathogenic for Familial hypobetalipoproteinemia 1. Last evaluated: 2016-06-18. Review status: criteria provided, single submitter. Criteria: Invitae Variant Classification Sherloc (09022015). Collection method: clinical testing. Allele origin: germline.
Comment: This sequence change deletes 1 nucleotide from exon 26 of the APOB mRNA (c.9523delG), causing a frameshift at codon 3175. This creates a premature translational stop signal (p.Ala3175Leufs*42) and is expected to result in an absent or disrupted protein product. While this particular variant has not been reported in the literature, truncating variants in APOB are known to be pathogenic in the context of hypobetalipoproteinemia (PMID: 17570373, 22855658). For these reasons, this variant has been classified as Pathogenic.

Labcorp Genetics (formerly Invitae), Labcorp
Classification: Pathogenic for Familial hypobetalipoproteinemia 1; Hypercholesterolemia, autosomal dominant, type B. Last evaluated: 2016-06-18. Review status: criteria provided, single submitter. Criteria: Invitae Variant Classification Sherloc (09022015). Collection method: clinical testing. Allele origin: germline.
Comment: This sequence change deletes 1 nucleotide from exon 26 of the APOB mRNA (c.9523delG), causing a frameshift at codon 3175. This creates a premature translational stop signal (p.Ala3175Leufs*42) and is expected to result in an absent or disrupted protein product. For these reasons, this variant has been classified as Pathogenic. While this particular variant has not been reported in the literature, truncating variants in APOB are known to be pathogenic in the context of hypobetalipoproteinemia (PMID: 17570373, 22855658).

Literature cited by the submitters: PubMed 17570373; PubMed 22855658.